The following is an entry in ClinVar:

NM_005188.4(CBL):c.2047G>T (p.Val683Leu)

Gene: CBL (Cbl proto-oncogene; plus strand). Cytogenetic location: 11q23.3.
Variant type: single nucleotide variant.
Coding change: c.2047G>T on transcript NM_005188.4 (MANE Select); coding-DNA position 2047, G replaced by T.
Protein change: p.Val683Leu; replaces valine 683 with leucine.
Molecular consequence: missense variant.
Genome position (GRCh38, 1-based): chr11:119,296,928, G>T. VCF-style: chr11-119296928-G-T. GRCh37 (hg19) VCF-style: chr11-119167638-G-T.
Other names: short protein forms V683L.
Identifiers: ClinVar variation 4613819 (VCV004613819.1).

ClinVar aggregate classification (germline): Uncertain significance (1 of 4 stars; one submission).

Conditions:
Cardiovascular phenotype. Identifiers: MedGen CN230736.

Submission:

Ambry Genetics
Classification: Uncertain significance for Cardiovascular phenotype. Last evaluated: 2025-09-21. Review status: criteria provided, single submitter. Criteria: Ambry Variant Classification Scheme 2023. Collection method: clinical testing. Allele origin: germline.
Comment: The p.V683L variant (also known as c.2047G>T), located in coding exon 13 of the CBL gene, results from a G to T substitution at nucleotide position 2047. The valine at codon 683 is replaced by leucine, an amino acid with highly similar properties. This amino acid position is conserved. In addition, this alteration is predicted to be tolerated by in silico analysis. Based on the available evidence, the clinical significance of this variant remains unclear.